The following is an entry in ClinVar:

ClinVar aggregate classification (germline): Pathogenic (1 of 4 stars; one submission).

Conditions:
Primary ciliary dyskinesia. Also called: Ciliary dyskinesia. Identifiers: Orphanet 244, MedGen C0008780, MONDO:0016575, HP:0012265.

Submission:

Labcorp Genetics (formerly Invitae), Labcorp
Classification: Pathogenic for Primary ciliary dyskinesia. Last evaluated: 2025-07-01. Review status: criteria provided, single submitter. Criteria: Invitae Variant Classification Sherloc (09022015). Collection method: clinical testing. Allele origin: germline.
Comment: This sequence change creates a premature translational stop signal (p.Glu4471Profs*11) in the DNAH11 gene. While this is not anticipated to result in nonsense mediated decay, it is expected to disrupt the last 46 amino acid(s) of the DNAH11 protein. This variant is not present in population databases (gnomAD no frequency). This variant has not been reported in the literature in individuals affected with DNAH11-related conditions. ClinVar contains an entry for this variant (Variation ID: 2784625). This variant disrupts a region of the DNAH11 protein in which other variant(s) (p.Trp4505Serfs*10) have been determined to be pathogenic (internal data). This suggests that this is a clinically significant region of the protein, and that variants that disrupt it are likely to be disease-causing. For these reasons, this variant has been classified as Pathogenic.

NM_001277115.2(DNAH11):c.13411_13423del (p.Glu4471fs)

Genes: CDCA7L (cell division cycle associated 7 like; minus strand), DNAH11 (dynein axonemal heavy chain 11; plus strand). Cytogenetic location: 7p15.3.
Variant type: Deletion.
Coding change: c.13411_13423del on transcript NM_001277115.2 (MANE Select); coding-DNA positions 13411 to 13423, 13 bases deleted (GAAACCAAACAGA).
Protein change: p.Glu4471fs; shifts the reading frame from glutamic acid 4471.
Molecular consequence: frameshift variant. On other transcripts: 3 prime UTR variant (3).
Genome position (GRCh38, 1-based): chr7:21,901,114-21,901,126, GAAACCAAACAGA deleted; deleting any 13 consecutive bases within chr7:21,901,113-21,901,126 gives the same sequence; the c. name uses the placement nearest the transcript's 3' end. VCF-style (leftmost placement, unchanged base first): chr7-21901112-AAGAAACCAAACAG-A. GRCh37 (hg19) VCF-style: chr7-21940730-AAGAAACCAAACAG-A.
Other names: c.*1197_*1209del (NM_001127370.3, NM_001127371.3, NM_018719.5); short protein forms E4471fs.
Identifiers: ClinVar variation 2784625 (VCV002784625.3), dbSNP rs2534164505, ClinGen allele CA2739266355.